The following is an entry in ClinVar:

NM_001257293.2(HNRNPH1):c.1271A>T (p.Tyr424Phe)

Genes: HNRNPH1 (heterogeneous nuclear ribonucleoprotein H1; minus strand), LOC128966623 (uncharacterized protein C5orf60; plus strand). Cytogenetic location: 5q35.3.
Variant type: single nucleotide variant.
Coding change: c.1271A>T on transcript NM_001257293.2 (MANE Select); coding-DNA position 1271, A replaced by T.
Protein change: p.Tyr424Phe; replaces tyrosine 424 with phenylalanine.
Molecular consequence: missense variant.
Genome position (GRCh38, 1-based): chr5:179,616,155, T>A on the plus strand (A>T on the coding strand, the complement: HNRNPH1 is on the minus strand). VCF-style: chr5-179616155-T-A. GRCh37 (hg19) VCF-style: chr5-179043156-T-A.
Other names: c.1211A>T, p.Tyr404Phe (NM_001363572.2, NM_001364230.2, NM_001364232.2 and 5 more transcripts); c.1271A>T, p.Tyr424Phe (NM_001364225.2, NM_001364226.2, NM_001364227.2 and 11 more transcripts); c.1280A>T, p.Tyr427Phe (NM_001364231.2, NM_001395176.1); c.1190A>T, p.Tyr397Phe (NM_001364240.2, NM_001364248.2); c.1250A>T, p.Tyr417Phe (NM_001364241.2, NM_001364242.2, NM_001364243.2 and 3 more transcripts); c.1241A>T, p.Tyr414Phe (NM_001364244.2, NM_001395181.1, NM_001395187.1 and 1 more transcripts); c.1115A>T, p.Tyr372Phe (NM_001364250.2); c.668A>T, p.Tyr223Phe (NM_001364251.2, NM_001364252.2, NM_001364253.2 and 3 more transcripts); and 7 more; short protein forms Y213F, Y223F, Y287F, Y298F, Y318F, Y347F, Y372F, Y397F.
Identifiers: ClinVar variation 1698292 (VCV001698292.2), dbSNP rs2127607013, ClinGen allele CA362461406.

ClinVar aggregate classification (germline): Uncertain significance (1 of 4 stars; one submission).

Submission:

GeneDx
Classification: Uncertain significance. Last evaluated: 2022-01-21. Review status: criteria provided, single submitter. Criteria: GeneDx Variant Classification Process June 2021. Collection method: clinical testing. Allele origin: germline. Affected: yes.
Comment: Not observed at significant frequency in large population cohorts (gnomAD); In silico analysis supports that this missense variant does not alter protein structure/function; Has not been previously published as pathogenic or benign to our knowledge